The following is an entry in ClinVar:

NM_130837.3(OPA1):c.320C>A (p.Ser107Ter)

Gene: OPA1 (OPA1 mitochondrial dynamin like GTPase; plus strand). Cytogenetic location: 3q29.
Variant type: single nucleotide variant.
Coding change: c.320C>A on transcript NM_130837.3 (MANE Select); coding-DNA position 320, C replaced by A.
Protein change: p.Ser107Ter; replaces serine 107 with a stop codon.
Molecular consequence: nonsense. On other transcripts: 5 prime UTR variant (2).
Genome position (GRCh38, 1-based): chr3:193,615,010, C>A. VCF-style: chr3-193615010-C-A. GRCh37 (hg19) VCF-style: chr3-193332799-C-A.
Other names: c.-53C>A (NM_001354663.2, NM_001354664.2); c.320C>A, p.Ser107Ter (NM_015560.3, NM_130831.3, NM_130832.3 and 4 more transcripts); short protein forms S107*.
Identifiers: ClinVar variation 2098222 (VCV002098222.4), dbSNP rs376643015, ClinGen allele CA355786955.

ClinVar aggregate classification (germline): Pathogenic (1 of 4 stars; one submission).

Submission:

Labcorp Genetics (formerly Invitae), Labcorp
Classification: Pathogenic. Last evaluated: 2022-10-03. Review status: criteria provided, single submitter. Criteria: Invitae Variant Classification Sherloc (09022015). Collection method: clinical testing. Allele origin: germline.
Comment: This sequence change creates a premature translational stop signal (p.Ser107*) in the OPA1 gene. It is expected to result in an absent or disrupted protein product. Loss-of-function variants in OPA1 are known to be pathogenic (PMID: 11440988, 20157015, 20952381, 25012220). For these reasons, this variant has been classified as Pathogenic. Algorithms developed to predict the effect of sequence changes on RNA splicing suggest that this variant may disrupt the consensus splice site. This premature translational stop signal has been observed in individual(s) with optic neuropathy (PMID: 32855858). This variant is not present in population databases (gnomAD no frequency).

Literature cited by the submitters: PubMed 11440988; PubMed 20157015; PubMed 20952381; PubMed 25012220; PubMed 32855858.